The following is an entry in ClinVar:

NM_014159.7(SETD2):c.6341A>G (p.Asn2114Ser)

Gene: SETD2 (SET domain containing 2, histone lysine methyltransferase; minus strand). Cytogenetic location: 3p21.31.
Variant type: single nucleotide variant.
Coding change: c.6341A>G on transcript NM_014159.7 (MANE Select); coding-DNA position 6341, A replaced by G.
Protein change: p.Asn2114Ser; replaces asparagine 2114 with serine.
Molecular consequence: missense variant. On other transcripts: non-coding transcript variant (1).
Genome position (GRCh38, 1-based): chr3:47,057,443, T>C on the plus strand (A>G on the coding strand, the complement: SETD2 is on the minus strand). VCF-style: chr3-47057443-T-C. GRCh37 (hg19) VCF-style: chr3-47098933-T-C.
Other names: c.6209A>G, p.Asn2070Ser (NM_001349370.3); short protein forms N2070S, N2114S.
Identifiers: ClinVar variation 3794638 (VCV003794638.2).

ClinVar aggregate classification (germline): Conflicting classifications of pathogenicity. Review status: criteria provided, conflicting classifications (1 of 4 stars). 2 submissions from 2 submitters: Uncertain significance (1); Likely benign (1). Last evaluated 2025-09-24.

Conditions:
Inborn genetic diseases. Identifiers: MedGen C0950123, MeSH D030342.
Luscan-Lumish syndrome. Identifiers: Orphanet 597738, MedGen C4085873, MONDO:0014791, OMIM 616831.

gnomAD v4.1: 9 of 1,614,114 alleles (0.00056%); highest among the groups gnomAD compares: African/African-American, 0.0067%; no homozygotes.

Submissions (2):

Labcorp Genetics (formerly Invitae), Labcorp
Classification: Uncertain significance for Luscan-Lumish syndrome. Last evaluated: 2025-09-24. Review status: criteria provided, single submitter. Criteria: Invitae Variant Classification Sherloc (09022015). Collection method: clinical testing. Allele origin: germline.
Comment: This sequence change replaces asparagine, which is neutral and polar, with serine, which is neutral and polar, at codon 2114 of the SETD2 protein (p.Asn2114Ser). This variant is present in population databases (rs371523162, gnomAD 0.02%). This variant has not been reported in the literature in individuals affected with SETD2-related conditions. ClinVar contains an entry for this variant (Variation ID: 3794638). Invitae Evidence Modeling of protein sequence and biophysical properties (such as structural, functional, and spatial information, amino acid conservation, physicochemical variation, residue mobility, and thermodynamic stability) indicates that this missense variant is not expected to disrupt SETD2 protein function with a negative predictive value of 80%. In summary, the available evidence is currently insufficient to determine the role of this variant in disease. Therefore, it has been classified as a Variant of Uncertain Significance.

Ambry Genetics
Classification: Likely benign for Inborn genetic diseases. Last evaluated: 2025-01-22. Review status: criteria provided, single submitter. Criteria: Ambry Variant Classification Scheme 2023. Collection method: clinical testing. Allele origin: germline.